The following is an entry in ClinVar:

ClinVar aggregate classification (germline): Uncertain significance (1 of 4 stars; one submission).

Allele frequency attached by ClinVar (database versions not stated): gnomAD exomes below 0.00001; TOPMed below 0.00001.
gnomAD v4.1: 3 of 1,614,108 alleles (0.00019%); highest among the groups gnomAD compares: South Asian, 0.0011%; no homozygotes.

Submission:

Labcorp Genetics (formerly Invitae), Labcorp
Classification: Uncertain significance. Last evaluated: 2021-02-02. Review status: criteria provided, single submitter. Criteria: Invitae Variant Classification Sherloc (09022015). Collection method: clinical testing. Allele origin: germline.
Comment: This variant has not been reported in the literature in individuals with PLA2G5-related conditions. Experimental studies and prediction algorithms are not available or were not evaluated, and the functional significance of this variant is currently unknown. In summary, the available evidence is currently insufficient to determine the role of this variant in disease. Therefore, it has been classified as a Variant of Uncertain Significance. This sequence change creates a premature translational stop signal (p.Gln128*) in the PLA2G5 gene. While this is not anticipated to result in nonsense mediated decay, it is expected to disrupt the last 11 amino acid(s) of the PLA2G5 protein. This variant is not present in population databases (ExAC no frequency).

NM_000929.3(PLA2G5):c.382C>T (p.Gln128Ter)

Gene: PLA2G5 (phospholipase A2 group V; plus strand). Cytogenetic location: 1p36.13.
Variant type: single nucleotide variant.
Coding change: c.382C>T on transcript NM_000929.3 (MANE Select); coding-DNA position 382, C replaced by T.
Protein change: p.Gln128Ter; replaces glutamine 128 with a stop codon.
Molecular consequence: nonsense.
Genome position (GRCh38, 1-based): chr1:20,090,657, C>T. VCF-style: chr1-20090657-C-T. GRCh37 (hg19) VCF-style: chr1-20417150-C-T.
Other names: short protein forms Q128*.
Identifiers: ClinVar variation 1464348 (VCV001464348.6), dbSNP rs1390456842, ClinGen allele CA338823061.